The following is an entry in ClinVar:

NM_004370.6(COL12A1):c.6871A>C (p.Thr2291Pro)

Gene: COL12A1 (collagen type XII alpha 1 chain; minus strand). Cytogenetic location: 6q13.
Variant type: single nucleotide variant.
Coding change: c.6871A>C on transcript NM_004370.6 (MANE Select); coding-DNA position 6871, A replaced by C.
Protein change: p.Thr2291Pro; replaces threonine 2291 with proline.
Molecular consequence: missense variant.
Genome position (GRCh38, 1-based): chr6:75,123,948, T>G on the plus strand (A>C on the coding strand, the complement: COL12A1 is on the minus strand). VCF-style: chr6-75123948-T-G. GRCh37 (hg19) VCF-style: chr6-75833664-T-G.
Other names: p.Thr2291Pro; c.6871A>C, p.Thr2291Pro (NM_001424113.1); c.6850A>C, p.Thr2284Pro (NM_001424114.1); c.6598A>C, p.Thr2200Pro (NM_001424115.1); c.3379A>C, p.Thr1127Pro (NM_001424116.1, NM_080645.3); short protein forms T2284P, T1127P, T2200P, T2291P.
Identifiers: ClinVar variation 2923492 (VCV002923492.4), dbSNP rs774897239, ClinGen allele CA3892714.

ClinVar aggregate classification (germline): Uncertain significance. Review status: criteria provided, multiple submitters, no conflicts (2 of 4 stars). 2 submissions from 2 submitters: Uncertain significance (2). Last evaluated 2025-09-14.

Conditions:
Ullrich congenital muscular dystrophy 2 (UCMD2). Identifiers: Orphanet 75840, MedGen C4225314, MONDO:0014654, OMIM 616470.
Bethlem myopathy 2 (BTHLM2). Identifiers: Orphanet 536516, Orphanet 610, MedGen C4225313, MONDO:0034022, OMIM 616471.

Allele frequency attached by ClinVar (database versions not stated): gnomAD 0.00001; TOPMed 0.00002; gnomAD exomes 0.00003; ExAC 0.00006.
gnomAD v4.1: 18 of 1,600,250 alleles (0.0011%); highest among the groups gnomAD compares: Non-Finnish European, 0.0015%; no homozygotes.

Submissions (2):

Mayo Clinic Laboratories, Mayo Clinic
Classification: Uncertain significance. Last evaluated: 2025-09-14. Review status: criteria provided, single submitter. Criteria: ACMG Guidelines, 2015. Collection method: clinical testing. Allele origin: germline. Observed: 1 variant allele.
Comment: BP4_moderate, PM2_supporting

Labcorp Genetics (formerly Invitae), Labcorp
Classification: Uncertain significance for Bethlem myopathy 2; Ullrich congenital muscular dystrophy 2. Last evaluated: 2023-10-18. Review status: criteria provided, single submitter. Criteria: Invitae Variant Classification Sherloc (09022015). Collection method: clinical testing. Allele origin: germline.
Comment: This sequence change replaces threonine, which is neutral and polar, with proline, which is neutral and non-polar, at codon 2291 of the COL12A1 protein (p.Thr2291Pro). This variant is present in population databases (rs774897239, gnomAD 0.006%). This variant has not been reported in the literature in individuals affected with COL12A1-related conditions. An algorithm developed to predict the effect of missense changes on protein structure and function (PolyPhen-2) suggests that this variant is likely to be tolerated. In summary, the available evidence is currently insufficient to determine the role of this variant in disease. Therefore, it has been classified as a Variant of Uncertain Significance.